The following is an entry in ClinVar:

NM_007325.5(GRIA3):c.983G>A (p.Arg328Gln)

Gene: GRIA3 (glutamate ionotropic receptor AMPA type subunit 3; plus strand). Cytogenetic location: Xq25.
Variant type: single nucleotide variant.
Coding change: c.983G>A on transcript NM_007325.5 (MANE Select); coding-DNA position 983, G replaced by A.
Protein change: p.Arg328Gln; replaces arginine 328 with glutamine.
Molecular consequence: missense variant.
Genome position (GRCh38, 1-based): chrX:123,398,706, G>A. VCF-style: chrX-123398706-G-A. GRCh37 (hg19) VCF-style: chrX-122532557-G-A.
Other names: c.983G>A, p.Arg328Gln (NM_000828.5); short protein forms R328Q.
Identifiers: ClinVar variation 3632520 (VCV003632520.2).

ClinVar aggregate classification (germline): Uncertain significance (1 of 4 stars; one submission).

gnomAD v4.1: 2 of 1,206,194 alleles (0.00017%); highest among the groups gnomAD compares: South Asian, 0.0018%; no homozygotes.

Submission:

Labcorp Genetics (formerly Invitae), Labcorp
Classification: Uncertain significance. Last evaluated: 2024-07-12. Review status: criteria provided, single submitter. Criteria: Invitae Variant Classification Sherloc (09022015). Collection method: clinical testing. Allele origin: germline.
Comment: This sequence change replaces arginine, which is basic and polar, with glutamine, which is neutral and polar, at codon 328 of the GRIA3 protein (p.Arg328Gln). This variant is not present in population databases (gnomAD no frequency). This variant has not been reported in the literature in individuals affected with GRIA3-related conditions. Advanced modeling of protein sequence and biophysical properties (such as structural, functional, and spatial information, amino acid conservation, physicochemical variation, residue mobility, and thermodynamic stability) performed at Invitae indicates that this missense variant is not expected to disrupt GRIA3 protein function with a negative predictive value of 80%. In summary, the available evidence is currently insufficient to determine the role of this variant in disease. Therefore, it has been classified as a Variant of Uncertain Significance.